The following is an entry in ClinVar:

NM_017780.4(CHD7):c.4112T>G (p.Leu1371Ter)

Gene: CHD7 (chromodomain helicase DNA binding protein 7; plus strand). Cytogenetic location: 8q12.2.
Variant type: single nucleotide variant.
Coding change: c.4112T>G on transcript NM_017780.4 (MANE Select); coding-DNA position 4112, T replaced by G.
Protein change: p.Leu1371Ter; replaces leucine 1371 with a stop codon.
Molecular consequence: nonsense. On other transcripts: intron variant (1).
Genome position (GRCh38, 1-based): chr8:60,836,939, T>G. VCF-style: chr8-60836939-T-G. GRCh37 (hg19) VCF-style: chr8-61749498-T-G.
Other names: c.4112T>G (LRG_176t1, NM_017780.3); c.1717-25290T>G (NM_001316690.1); short protein forms L1371*.
Identifiers: ClinVar variation 432973 (VCV000432973.3), dbSNP rs1554600633, ClinGen allele CA371316844.

ClinVar aggregate classification (germline): Pathogenic/Likely pathogenic. Review status: criteria provided, multiple submitters, no conflicts (2 of 4 stars). 2 submissions from 2 submitters: Pathogenic (1); Likely pathogenic (1). Last evaluated 2025-06-30.

Conditions:
CHD7-related disorder. Also called: CHD7-related condition.

Submissions (2):

PreventionGenetics, part of Exact Sciences
Classification: Likely pathogenic for CHD7-related condition. Last evaluated: 2025-06-30. Review status: criteria provided, single submitter. Criteria: ACMG Guidelines, 2015. Collection method: clinical testing. Allele origin: germline.
Comment: The CHD7 c.4112T>G variant is predicted to result in premature protein termination (p.Leu1371*). To our knowledge, this variant has not been reported in the literature or in a large population database (gnomAD), indicating this variant is rare. Nonsense variants in CHD7 are expected to be pathogenic. This variant is interpreted as likely pathogenic.

GeneDx
Classification: Pathogenic. Last evaluated: 2017-06-21. Review status: criteria provided, single submitter. Criteria: GeneDx Variant Classification (06012015). Collection method: clinical testing. Allele origin: germline. Affected: yes.
Comment: The L1371X nonsense variant in the CHD7 gene is predicted to cause loss of normal protein function either through protein truncation or nonsense-mediated mRNA decay. The variant is not observed in large population cohorts (Lek et al., 2016; 1000 Genomes Consortium et al., 2015; Exome Variant Server). Approximately 45% of CHD7 pathogenic variants are nonsense variants (Janssen et al., 2012; Zentner et al., 2010). Therefore, although the L1371X variant has not been reported previously, we consider it to be pathogenic.